The following is an entry in ClinVar:

NM_138694.4(PKHD1):c.6287_6304del (p.Val2096_Thr2102delinsAla)

Gene: PKHD1 (PKHD1 ciliary IPT domain containing fibrocystin/polyductin; minus strand). Cytogenetic location: 6p12.2.
Variant type: Deletion.
Coding change: c.6287_6304del on transcript NM_138694.4 (MANE Select); coding-DNA positions 6287 to 6304, 18 bases deleted (TGGAAACTGTGCAGGATA).
Protein change: p.Val2096_Thr2102delinsAla.
Molecular consequence: inframe indel.
Genome position (GRCh38, 1-based): chr6:51,912,394-51,912,411, TATCCTGCACAGTTTCCA deleted on the plus strand (TGGAAACTGTGCAGGATA on the coding strand, the reverse complement: PKHD1 is on the minus strand). VCF-style (leftmost placement, unchanged base first): chr6-51912393-GTATCCTGCACAGTTTCCA-G. GRCh37 (hg19) VCF-style: chr6-51777191-GTATCCTGCACAGTTTCCA-G.
Other names: c.6287_6304del, p.Val2096_Thr2102delinsAla (NM_170724.3).
Identifiers: ClinVar variation 5040387 (VCV005040387.1).

ClinVar aggregate classification (germline): Uncertain significance (1 of 4 stars; one submission).

Submission:

CeGaT Center for Human Genetics Tuebingen
Classification: Uncertain significance. Last evaluated: 2026-08-01. Review status: criteria provided, single submitter. Criteria: CeGaT Center For Human Genetics Tuebingen Variant Classification Criteria Version 2. Collection method: clinical testing. Allele origin: germline. Affected: yes. Observed: 1 variant allele.
Comment: PKHD1: PM2, PM4, PP4